The following is an entry in ClinVar:

ClinVar aggregate classification (germline): Pathogenic (1 of 4 stars; one submission).

Submission:

Labcorp Genetics (formerly Invitae), Labcorp
Classification: Pathogenic. Last evaluated: 2023-08-02. Review status: criteria provided, single submitter. Criteria: Invitae Variant Classification Sherloc (09022015). Collection method: clinical testing. Allele origin: germline.
Comment: For these reasons, this variant has been classified as Pathogenic. This variant has not been reported in the literature in individuals affected with CDH23-related conditions. This variant is not present in population databases (gnomAD no frequency). This sequence change creates a premature translational stop signal (p.Gly2586Valfs*68) in the CDH23 gene. It is expected to result in an absent or disrupted protein product. Loss-of-function variants in CDH23 are known to be pathogenic (PMID: 11138009, 21940737).

Literature cited by the submitters: PubMed 11138009; PubMed 21940737.

NM_022124.6(CDH23):c.7757del (p.Gly2586fs)

Gene: CDH23 (cadherin related 23; plus strand). Cytogenetic location: 10q22.1.
Variant type: Deletion.
Coding change: c.7757del on transcript NM_022124.6 (MANE Select); coding-DNA position 7757, one base deleted (G; older notation c.7757delG).
Protein change: p.Gly2586fs; shifts the reading frame from glycine 2586.
Molecular consequence: frameshift variant.
Genome position (GRCh38, 1-based): chr10:71,803,305, G deleted; the last of 2 consecutive G bases (chr10:71,803,304-71,803,305); deleting either gives the same sequence. VCF-style (leftmost placement, unchanged base first): chr10-71803303-TG-T. GRCh37 (hg19) VCF-style: chr10-73563060-TG-T.
Other names: c.1037del, p.Gly346fs (NM_001171933.1, NM_001171934.1); short protein forms G2586fs, G346fs.
Identifiers: ClinVar variation 2749313 (VCV002749313.3), dbSNP rs2494418701, ClinGen allele CA2609580920.